The following is an entry in ClinVar:

NM_001303052.2(MYT1L):c.2712-4G>A

Gene: MYT1L (myelin transcription factor 1 like; minus strand). Cytogenetic location: 2p25.3.
Variant type: single nucleotide variant.
Coding change: c.2712-4G>A on transcript NM_001303052.2 (MANE Select); 4 bases into the intron before coding-DNA position 2712, G replaced by A.
Molecular consequence: intron variant.
Genome position (GRCh38, 1-based): chr2:1,851,707, C>T on the plus strand (G>A on the coding strand, the complement: MYT1L is on the minus strand). VCF-style: chr2-1851707-C-T. GRCh37 (hg19) VCF-style: chr2-1855479-C-T.
Other names: c.2706-4G>A (NM_015025.4, NM_001329847.2, NM_001329848.1 and 3 more transcripts); c.2712-4G>A (NM_001329844.2, NM_001329845.1, NM_001329851.3).
Identifiers: ClinVar variation 1029339 (VCV001029339.1), dbSNP rs201247999, ClinGen allele CA41413063.

ClinVar aggregate classification (germline): Uncertain significance (1 of 4 stars; one submission).

Conditions:
Intellectual developmental disorder, autosomal dominant 39. Also called: Intellectual disability, autosomal dominant 39; Mental retardation, autosomal dominant 39. Identifiers: MedGen C4225296, MONDO:0014678, OMIM 616521.

Allele frequency attached by ClinVar (database versions not stated): gnomAD exomes below 0.00001.
gnomAD v4.1: 2 of 1,613,242 alleles (0.00012%); highest among the groups gnomAD compares: Non-Finnish European, 0.00017%; no homozygotes.

Submission:

Baylor Genetics
Classification: Uncertain significance for Intellectual developmental disorder, autosomal dominant 39. Last evaluated: 2019-03-26. Review status: criteria provided, single submitter. Criteria: ACMG Guidelines, 2015. Collection method: clinical testing. Allele origin: unknown. Affected: yes.
Comment: This variant was determined to be of uncertain significance according to ACMG Guidelines, 2015 [PMID:25741868].